The following is an entry in ClinVar:

NM_000088.4(COL1A1):c.1057-1G>C

Gene: COL1A1 (collagen type I alpha 1 chain; minus strand). Cytogenetic location: 17q21.33.
Variant type: single nucleotide variant.
Coding change: c.1057-1G>C on transcript NM_000088.4 (MANE Select); the canonical splice acceptor site of the intron before coding-DNA position 1057, G replaced by C.
Molecular consequence: splice acceptor variant.
Genome position (GRCh38, 1-based): chr17:50,195,666, C>G on the plus strand (G>C on the coding strand, the complement: COL1A1 is on the minus strand). VCF-style: chr17-50195666-C-G. GRCh37 (hg19) VCF-style: chr17-48273027-C-G.
Identifiers: ClinVar variation 2751787 (VCV002751787.3), dbSNP rs1555574177, ClinGen allele CA400220328.

ClinVar aggregate classification (germline): Pathogenic (1 of 4 stars; one submission).

Conditions:
Osteogenesis imperfecta type I (OI1). Also called: Lobstein's Disease; Lobstein disease; OI, TYPE I; OSTEOGENESIS IMPERFECTA TARDA; OSTEOGENESIS IMPERFECTA WITH BLUE SCLERAE; Osteogenesis imperfecta type 1. Identifiers: Orphanet 216796, Orphanet 666, MedGen C0023931, MONDO:0008146, OMIM 166200. Disease mechanism: loss of function.

Submission:

Labcorp Genetics (formerly Invitae), Labcorp
Classification: Pathogenic for Osteogenesis imperfecta type I. Last evaluated: 2023-08-10. Review status: criteria provided, single submitter. Criteria: Invitae Variant Classification Sherloc (09022015). Collection method: clinical testing. Allele origin: germline.
Comment: This variant is not present in population databases (gnomAD no frequency). For these reasons, this variant has been classified as Pathogenic. Algorithms developed to predict the effect of sequence changes on RNA splicing suggest that this variant may disrupt the consensus splice site. Disruption of this splice site has been observed in individuals with osteogenesis imperfecta (PMID: 25963598, 27132807). This sequence change affects an acceptor splice site in intron 16 of the COL1A1 gene. It is expected to disrupt RNA splicing. Variants that disrupt the donor or acceptor splice site typically lead to a loss of protein function (PMID: 16199547), and loss-of-function variants in COL1A1 are known to be pathogenic (PMID: 7942841, 9295084, 9443882).

Literature cited by the submitters: PubMed 25963598; PubMed 27132807; PubMed 16199547; PubMed 7942841; PubMed 9295084; PubMed 9443882.